The following is an entry in ClinVar:

NM_001018113.3(FANCB):c.-232G>A

Gene: FANCB (FA complementation group B; minus strand). Cytogenetic location: Xp22.2.
Variant type: single nucleotide variant.
Coding change: c.-232G>A on transcript NM_001018113.3 (MANE Select); 232 bases upstream of the start codon, G replaced by A.
Molecular consequence: 5 prime UTR variant. On other transcripts: non-coding transcript variant (1).
Genome position (GRCh38, 1-based): chrX:14,873,026, C>T on the plus strand (G>A on the coding strand, the complement: FANCB is on the minus strand). VCF-style: chrX-14873026-C-T. GRCh37 (hg19) VCF-style: chrX-14891148-C-T.
Other names: c.-211G>A (NM_001324162.2); c.-111G>A (NM_152633.4).
Identifiers: ClinVar variation 368039 (VCV000368039.5), dbSNP rs756766337, ClinGen allele CA10646025.

ClinVar aggregate classification (germline): Likely benign. Review status: criteria provided, single submitter (1 of 4 stars). 2 submissions from 1 submitter: Likely benign (2). Last evaluated 2017-04-27.

Conditions:
Fanconi anemia complementation group B (FANCB). Also called: FANCB-Related Fanconi Anemia; FANCONI PANCYTOPENIA, TYPE 2. Identifiers: Orphanet 84, MedGen C1845292, MONDO:0010351, OMIM 300514.
VACTERL association, X-linked, with or without hydrocephalus (VACTERLX). Also called: VACTERL-H, X-LINKED; VACTERL Association with Hydrocephalus, X-linked; X-linked VACTERL-H syndrome; VACTERL ASSOCIATION, X-LINKED. Identifiers: Orphanet 3412, MedGen C2931228, MONDO:0010752, OMIM 314390.

Allele frequency attached by ClinVar (database versions not stated): TOPMed 0.00008; gnomAD 0.00009; gnomAD exomes 0.00035; 1000 Genomes Project 0.00185; 1000 Genomes Project 30x 0.00187.
gnomAD v4.1: 24 of 131,638 alleles (0.018%); highest among the groups gnomAD compares: South Asian, 0.42%; no homozygotes.

Submissions (2):

Illumina Laboratory Services, Illumina
Classification: Likely benign for Fanconi anemia complementation group B. Last evaluated: 2017-04-27. Review status: criteria provided, single submitter. Criteria: ICSL Variant Classification Criteria 13 December 2019. Collection method: clinical testing. Allele origin: germline.
Comment: This variant was observed as part of a predisposition screen in an ostensibly healthy population. A literature search was performed for the gene, cDNA change, and amino acid change (where applicable). No publications were found based on this search. Allele frequency data from public databases allowed determination this variant is unlikely to cause disease. Therefore, this variant is classified as likely benign.

Illumina Laboratory Services, Illumina
Classification: Likely benign for VACTERL association with hydrocephaly, X-linked. Last evaluated: 2017-04-27. Review status: criteria provided, single submitter. Criteria: ICSL Variant Classification Criteria 13 December 2019. Collection method: clinical testing. Allele origin: germline.
Comment: the same text as in the submission from Illumina Laboratory Services, Illumina above.